The following is an entry in ClinVar:

ClinVar aggregate classification (germline): Uncertain significance (1 of 4 stars; one submission).

Conditions:
Developmental and epileptic encephalopathy. Identifiers: MedGen C5779964, MONDO:0100620.

gnomAD v4.1: 31 of 1,613,292 alleles (0.0019%); highest among the groups gnomAD compares: Middle Eastern, 0.084%; no homozygotes.

Submission:

Labcorp Genetics (formerly Invitae), Labcorp
Classification: Uncertain significance for Early-infantile DEE. Last evaluated: 2022-04-23. Review status: criteria provided, single submitter. Criteria: Invitae Variant Classification Sherloc (09022015). Collection method: clinical testing. Allele origin: germline.
Comment: This sequence change replaces asparagine, which is neutral and polar, with serine, which is neutral and polar, at codon 944 of the CACNA2D2 protein (p.Asn944Ser). This variant is not present in population databases (gnomAD no frequency). This variant has not been reported in the literature in individuals affected with CACNA2D2-related conditions. In summary, the available evidence is currently insufficient to determine the role of this variant in disease. Therefore, it has been classified as a Variant of Uncertain Significance. ClinVar contains an entry for this variant (Variation ID: 650791). Algorithms developed to predict the effect of missense changes on protein structure and function (SIFT, PolyPhen-2, Align-GVGD) all suggest that this variant is likely to be tolerated. Algorithms developed to predict the effect of sequence changes on RNA splicing suggest that this variant may create or strengthen a splice site.

NM_006030.4(CACNA2D2):c.2831A>G (p.Asn944Ser)

Genes: CACNA2D2 (calcium voltage-gated channel auxiliary subunit alpha2delta 2; minus strand), LOC101928965 (uncharacterized LOC101928965; plus strand), LOC127898564 (CYB561D2-LOC101928965; plus strand). Cytogenetic location: 3p21.31.
Variant type: single nucleotide variant.
Coding change: c.2831A>G on transcript NM_006030.4 (MANE Select); coding-DNA position 2831, A replaced by G.
Protein change: p.Asn944Ser; replaces asparagine 944 with serine.
Molecular consequence: missense variant.
Genome position (GRCh38, 1-based): chr3:50,366,042, T>C on the plus strand (A>G on the coding strand, the complement: CACNA2D2 is on the minus strand). VCF-style: chr3-50366042-T-C. GRCh37 (hg19) VCF-style: chr3-50403473-T-C.
Other names: c.2831A>G, p.Asn944Ser (NM_001005505.3); c.2852A>G, p.Asn951Ser (NM_001174051.3); c.2624A>G, p.Asn875Ser (NM_001291101.1); short protein forms N951S, N875S, N944S.
Identifiers: ClinVar variation 650791 (VCV000650791.5), dbSNP rs745846272, ClinGen allele CA74607103.